The following is an entry in ClinVar:

NM_002016.2(FLG):c.5871T>C (p.Pro1957=)

Genes: CCDST (cervical cancer associated DHX9 suppressive transcript; plus strand), FLG (filaggrin; minus strand). Cytogenetic location: 1q21.3.
Variant type: single nucleotide variant.
Coding change: c.5871T>C on transcript NM_002016.2 (MANE Select); coding-DNA position 5871, T replaced by C.
Protein change: p.Pro1957=; no amino-acid change (proline 1957 retained).
Molecular consequence: synonymous variant.
Genome position (GRCh38, 1-based): chr1:152,309,015, A>G on the plus strand (T>C on the coding strand, the complement: FLG is on the minus strand). VCF-style: chr1-152309015-A-G. GRCh37 (hg19) VCF-style: chr1-152281491-A-G.
Identifiers: ClinVar variation 1298438 (VCV001298438.37), dbSNP rs550316856, ClinGen allele CA1105540.
Genomic context (GRCh38, chr1:152,309,015, plus strand): 5'-TGATTGTCTGGAGCTGTCTGCAGAGTGCCCGTGACCGGCTCTGTCTTCGTGATGGGACCC[A>G]GGGTGTCTGGAGCCATCTCTTGACTGCTCCCAAGCAGATCCAAGATGGTTTCTGGAAGCA-3'
Protein context (NP_002007.1, residues 1947-1967): WEQSRDGSRH[Pro1957=]GSHHEDRAGH

ClinVar aggregate classification (germline): Likely benign. Review status: criteria provided, multiple submitters, no conflicts (2 of 4 stars). 3 submissions from 3 submitters: Likely benign (3). Last evaluated 2025-02-16.

Allele frequency attached by ClinVar (database versions not stated): 1000 Genomes Project 30x 0.00031; 1000 Genomes Project 0.00040.

Submissions (3):

Laboratory of Genetics, Children's Clinical University Hospital Latvia
Classification: Likely benign. Last evaluated: 2025-02-16. Review status: criteria provided, single submitter. Criteria: ACMG Guidelines, 2015. Collection method: clinical testing. Allele origin: germline. Affected: yes.

Blueprint Genetics
Classification: Likely benign. Last evaluated: 2024-11-18. Review status: criteria provided, single submitter. Criteria: ACMG Guidelines, 2015. Collection method: clinical testing. Allele origin: germline.

CeGaT Center for Human Genetics Tuebingen
Classification: Likely benign. Last evaluated: 2024-11-01. Review status: criteria provided, single submitter. Criteria: CeGaT Center For Human Genetics Tuebingen Variant Classification Criteria Version 2. Collection method: clinical testing. Allele origin: germline. Affected: yes. Observed: 5 variant alleles.
Comment: FLG: BP4, BP7